The following is an entry in ClinVar:

NC_000022.10:g.(?_51064344)_(51066227_?)del

Gene: ARSA (arylsulfatase A; minus strand). Cytogenetic location: 22q13.33.
Variant type: Deletion.
Identifiers: ClinVar variation 1072392 (VCV001072392.5).

ClinVar aggregate classification (germline): Pathogenic (1 of 4 stars; one submission).

Conditions:
Metachromatic leukodystrophy (MLD). Also called: Cerebral sclerosis diffuse metachromatic form; METACHROMATIC LEUKOENCEPHALOPATHY; Arylsulfatase A Deficiency; SULFATIDE LIPIDOSIS; ARSA DEFICIENCY; CEREBROSIDE SULFATASE DEFICIENCY. Identifiers: Orphanet 512, MedGen C0023522, MONDO:0018868, OMIM 250100.

Submission:

Labcorp Genetics (formerly Invitae), Labcorp
Classification: Pathogenic for Metachromatic leukodystrophy. Last evaluated: 2020-01-26. Review status: criteria provided, single submitter. Criteria: Invitae Variant Classification Sherloc (09022015). Collection method: clinical testing. Allele origin: germline.
Comment: For these reasons, this variant has been classified as Pathogenic. Loss-of-function variants in ARSA are known to be pathogenic (PMID: 8962139, 10477432). This variant has not been reported in the literature in individuals with ARSA-related conditions. This variant is a gross deletion of the genomic region encompassing exons 1-6 of the ARSA gene, which includes the initiator codon. The 5' end of this event is unknown as it extends beyond the assayed region for this gene and therefore may encompass additional genes. The 3' boundary is likely confined to intron 6 of the ARSA gene. This is expected to result in an absent or disrupted protein product.

Literature cited by the submitters: PubMed 8962139; PubMed 10477432.